The following is an entry in ClinVar:

ClinVar aggregate classification (germline): Uncertain significance (1 of 4 stars; one submission).

Conditions:
Dyskeratosis congenita. Identifiers: Orphanet 1775, MedGen C0265965, MONDO:0015780.

Submission:

Ambry Genetics
Classification: Uncertain significance for Dyskeratosis congenita. Last evaluated: 2025-05-31. Review status: criteria provided, single submitter. Criteria: Ambry Variant Classification Scheme 2023. Collection method: clinical testing. Allele origin: germline.
Comment: The p.A1077T variant (also known as c.3229G>A), located in coding exon 15 of the TERT gene, results from a G to A substitution at nucleotide position 3229. The alanine at codon 1077 is replaced by threonine, an amino acid with similar properties. This amino acid position is conserved. In addition, this alteration is predicted to be deleterious by in silico analysis. Based on the available evidence, the clinical significance of this variant remains unclear.

NM_198253.3(TERT):c.3229G>A (p.Ala1077Thr)

Gene: TERT (telomerase reverse transcriptase; minus strand). Cytogenetic location: 5p15.33.
Variant type: single nucleotide variant.
Coding change: c.3229G>A on transcript NM_198253.3 (MANE Select); coding-DNA position 3229, G replaced by A.
Protein change: p.Ala1077Thr; replaces alanine 1077 with threonine.
Molecular consequence: missense variant. On other transcripts: non-coding transcript variant (2).
Genome position (GRCh38, 1-based): chr5:1,254,434, C>T on the plus strand (G>A on the coding strand, the complement: TERT is on the minus strand). VCF-style: chr5-1254434-C-T. GRCh37 (hg19) VCF-style: chr5-1254549-C-T.
Other names: c.3040G>A, p.Ala1014Thr (NM_001193376.3); short protein forms A1014T, A1077T.
Identifiers: ClinVar variation 3967313 (VCV003967313.1).